The following is an entry in ClinVar:

ClinVar aggregate classification (germline): Uncertain significance. Review status: criteria provided, multiple submitters, no conflicts (2 of 4 stars). 2 submissions from 2 submitters: Uncertain significance (2). Last evaluated 2025-08-24.

Conditions:
Hereditary cancer-predisposing syndrome. Also called: Hereditary neoplastic syndrome; Neoplastic Syndromes, Hereditary; Hereditary Cancer Syndrome; Tumor predisposition. Identifiers: Orphanet 140162, MedGen C0027672, MeSH D009386, MONDO:0015356.

Allele frequency attached by ClinVar (database versions not stated): gnomAD exomes below 0.00001; ExAC 0.00001; gnomAD 0.00001; TOPMed 0.00001; ESP Exome Variant Server 0.00008.
gnomAD v4.1: 1 of 1,613,962 alleles (0.000062%); highest among the groups gnomAD compares: African/African-American, 0.0013%; no homozygotes.

Submissions (2):

Ambry Genetics
Classification: Uncertain significance for Hereditary cancer-predisposing syndrome. Last evaluated: 2025-08-24. Review status: criteria provided, single submitter. Criteria: Ambry Variant Classification Scheme 2023. Collection method: clinical testing. Allele origin: germline.
Comment: The p.N129S variant (also known as c.386A>G), located in coding exon 3 of the MSH3 gene, results from an A to G substitution at nucleotide position 386. The asparagine at codon 129 is replaced by serine, an amino acid with highly similar properties. This amino acid position is poorly conserved in available vertebrate species. In addition, this alteration is predicted to be tolerated by in silico analysis. Since supporting evidence is limited at this time, the clinical significance of this alteration remains unclear.

Labcorp Genetics (formerly Invitae), Labcorp
Classification: Uncertain significance. Last evaluated: 2023-04-06. Review status: criteria provided, single submitter. Criteria: Invitae Variant Classification Sherloc (09022015). Collection method: clinical testing. Allele origin: germline.
Comment: This sequence change replaces asparagine, which is neutral and polar, with serine, which is neutral and polar, at codon 129 of the MSH3 protein (p.Asn129Ser). This variant is present in population databases (rs374128221, gnomAD 0.007%). This variant has not been reported in the literature in individuals affected with MSH3-related conditions. ClinVar contains an entry for this variant (Variation ID: 658795). Algorithms developed to predict the effect of missense changes on protein structure and function output the following: SIFT: "Not Available"; PolyPhen-2: "Benign"; Align-GVGD: "Not Available". The serine amino acid residue is found in multiple mammalian species, which suggests that this missense change does not adversely affect protein function. In summary, the available evidence is currently insufficient to determine the role of this variant in disease. Therefore, it has been classified as a Variant of Uncertain Significance.

NM_002439.5(MSH3):c.386A>G (p.Asn129Ser)

Gene: MSH3 (mutS homolog 3; plus strand). Cytogenetic location: 5q14.1.
Variant type: single nucleotide variant.
Coding change: c.386A>G on transcript NM_002439.5 (MANE Select); coding-DNA position 386, A replaced by G.
Protein change: p.Asn129Ser; replaces asparagine 129 with serine.
Molecular consequence: missense variant.
Genome position (GRCh38, 1-based): chr5:80,665,170, A>G. VCF-style: chr5-80665170-A-G. GRCh37 (hg19) VCF-style: chr5-79960989-A-G.
Other names: short protein forms N129S.
Identifiers: ClinVar variation 658795 (VCV000658795.12), dbSNP rs374128221, ClinGen allele CA3327596.
Genomic context (GRCh38, chr5:80,665,170, plus strand): 5'-ATTGTTCTGTTTTCTTCTTATTTGCTGCCTAAGAGCCAAAGAAATGTCTGAGGACCAGGA[A>G]TGTTTCAAAGTCTCTGGAAAAATTGAAAGAATTCTGCTGCGATTCTGCCCTTCCTCAAAG-3'
Protein context (NP_002430.3, residues 119-139): SEPKKCLRTR[Asn129Ser]VSKSLEKLKE